The following is an entry in ClinVar:

ClinVar aggregate classification (germline): Uncertain significance. Review status: criteria provided, multiple submitters, no conflicts (2 of 4 stars). 2 submissions from 2 submitters: Uncertain significance (2). Last evaluated 2024-02-23.

Conditions:
Familial thoracic aortic aneurysm and aortic dissection (TAAD). Also called: Thoracic aortic aneurysms and dissections. Identifiers: Orphanet 91387, MedGen C4707243, MONDO:0019625.
Aortic aneurysm, familial thoracic 7 (AAT7). Also called: AORTIC DISSECTION, FAMILIAL, WITH OR WITHOUT AORTIC ANEURYSM. Identifiers: MedGen C3151077, MONDO:0013418, OMIM 613780.

Allele frequency attached by ClinVar (database versions not stated): gnomAD exomes below 0.00001; TOPMed 0.00001.
gnomAD v4.1: 2 of 1,613,176 alleles (0.00012%); highest among the groups gnomAD compares: African/African-American, 0.0013%; no homozygotes.

Submissions (2):

Labcorp Genetics (formerly Invitae), Labcorp
Classification: Uncertain significance for Aortic aneurysm, familial thoracic 7. Last evaluated: 2024-02-23. Review status: criteria provided, single submitter. Criteria: Invitae Variant Classification Sherloc (09022015). Collection method: clinical testing. Allele origin: germline.
Comment: This sequence change replaces glycine, which is neutral and non-polar, with valine, which is neutral and non-polar, at codon 58 of the MYLK protein (p.Gly58Val). This variant is not present in population databases (gnomAD no frequency). This variant has not been reported in the literature in individuals affected with MYLK-related conditions. An algorithm developed to predict the effect of missense changes on protein structure and function (PolyPhen-2) suggests that this variant is likely to be disruptive. In summary, the available evidence is currently insufficient to determine the role of this variant in disease. Therefore, it has been classified as a Variant of Uncertain Significance.

Ambry Genetics
Classification: Uncertain significance for Familial thoracic aortic aneurysm and aortic dissection. Last evaluated: 2023-10-27. Review status: criteria provided, single submitter. Criteria: Ambry Variant Classification Scheme 2023. Collection method: clinical testing. Allele origin: germline.
Comment: The p.G58V variant (also known as c.173G>T), located in coding exon 2 of the MYLK gene, results from a G to T substitution at nucleotide position 173. The glycine at codon 58 is replaced by valine, an amino acid with dissimilar properties. This amino acid position is conserved. In addition, this alteration is predicted to be deleterious by in silico analysis. Since supporting evidence is limited at this time, the clinical significance of this alteration remains unclear.

NM_053025.4(MYLK):c.173G>T (p.Gly58Val)

Gene: MYLK (myosin light chain kinase; minus strand). Cytogenetic location: 3q21.1.
Variant type: single nucleotide variant.
Coding change: c.173G>T on transcript NM_053025.4 (MANE Select); coding-DNA position 173, G replaced by T.
Protein change: p.Gly58Val; replaces glycine 58 with valine.
Molecular consequence: missense variant. On other transcripts: intron variant (1).
Genome position (GRCh38, 1-based): chr3:123,752,531, C>A on the plus strand (G>T on the coding strand, the complement: MYLK is on the minus strand). VCF-style: chr3-123752531-C-A. GRCh37 (hg19) VCF-style: chr3-123471378-C-A.
Other names: c.173G>T, p.Gly58Val (NM_053026.4, NM_053027.4, NM_053028.4); c.-155-12530G>T (NM_001321309.2); short protein forms G58V.
Identifiers: ClinVar variation 3228899 (VCV003228899.3), dbSNP rs1161966043, ClinGen allele CA354245512.